The following is an entry in ClinVar:

NM_194436.3(LDHD):c.1260G>C (p.Arg420Ser)

Gene: LDHD (lactate dehydrogenase D; minus strand). Cytogenetic location: 16q23.1.
Variant type: single nucleotide variant.
Coding change: c.1260G>C on transcript NM_194436.3 (MANE Select); coding-DNA position 1260, G replaced by C.
Protein change: p.Arg420Ser; replaces arginine 420 with serine.
Molecular consequence: missense variant.
Genome position (GRCh38, 1-based): chr16:75,112,631, C>G on the plus strand (G>C on the coding strand, the complement: LDHD is on the minus strand). VCF-style: chr16-75112631-C-G. GRCh37 (hg19) VCF-style: chr16-75146529-C-G.
Other names: c.1329G>C, p.Arg443Ser (NM_153486.4); short protein forms R420S, R443S.
Identifiers: ClinVar variation 768793 (VCV000768793.6), dbSNP rs61741512, ClinGen allele CA8172212.

ClinVar aggregate classification (germline): Benign. Review status: criteria provided, multiple submitters, no conflicts (2 of 4 stars). 3 submissions from 3 submitters: Benign (2). 1 of the submissions does not count toward it. Last evaluated 2018-05-21.

Conditions:
LDHD-related disorder. Also called: LDHD-related condition.

Allele frequency attached by ClinVar (database versions not stated): gnomAD exomes 0.00173; ExAC 0.00209; gnomAD 0.00704 and 0.00750; TOPMed 0.00748; 1000 Genomes Project 0.00759; 1000 Genomes Project 30x 0.00812; ESP Exome Variant Server 0.00816.

Submissions (3):

Labcorp Genetics (formerly Invitae), Labcorp
Classification: Benign. Last evaluated: 2018-05-21. Review status: criteria provided, single submitter. Criteria: Invitae Variant Classification Sherloc (09022015). Collection method: clinical testing. Allele origin: germline.

Breakthrough Genomics
Classification: Benign. Review status: criteria provided, single submitter. Criteria: ACMG Guidelines, 2015. Collection method: not provided. Allele origin: germline. Inheritance: Autosomal recessive inheritance. Affected: yes.

PreventionGenetics, part of Exact Sciences
Classification: Benign for LDHD-related condition. Last evaluated: 2019-12-03. Review status: no assertion criteria provided. Collection method: clinical testing. Allele origin: germline. Not counted in ClinVar's aggregate classification.
Comment: This variant is classified as benign based on ACMG/AMP sequence variant interpretation guidelines (Richards et al. 2015 PMID: 25741868, with internal and published modifications).